The following is an entry in ClinVar:

NM_001080466.2(BTBD17):c.1383C>T (p.His461=)

Gene: BTBD17 (BTB domain containing 17; minus strand). Cytogenetic location: 17q25.1.
Variant type: single nucleotide variant.
Coding change: c.1383C>T on transcript NM_001080466.2 (MANE Select); coding-DNA position 1383, C replaced by T.
Protein change: p.His461=; no amino-acid change (histidine 461 retained).
Molecular consequence: synonymous variant.
Genome position (GRCh38, 1-based): chr17:74,356,711, G>A on the plus strand (C>T on the coding strand, the complement: BTBD17 is on the minus strand). VCF-style: chr17-74356711-G-A. GRCh37 (hg19) VCF-style: chr17-72352850-G-A.
Identifiers: ClinVar variation 3250682 (VCV003250682.18), dbSNP rs1201057705.

ClinVar aggregate classification (germline): Likely benign (1 of 4 stars; one submission).

Allele frequency attached by ClinVar (database versions not stated): gnomAD exomes below 0.00001; TOPMed below 0.00001.
gnomAD v4.1: 1 of 1,596,662 alleles (0.000063%); highest among the groups gnomAD compares: Admixed American, 0.0017%; no homozygotes.

Submission:

CeGaT Center for Human Genetics Tuebingen
Classification: Likely benign. Last evaluated: 2026-08-01. Review status: criteria provided, single submitter. Criteria: CeGaT Center For Human Genetics Tuebingen Variant Classification Criteria Version 2. Collection method: clinical testing. Allele origin: germline. Affected: yes. Observed: 5 variant alleles.
Comment: BTBD17: BP4, BP7